The following is an entry in ClinVar:

ClinVar aggregate classification (germline): Conflicting classifications of pathogenicity. Review status: criteria provided, conflicting classifications (1 of 4 stars). 6 submissions from 6 submitters: Uncertain significance (1); Likely benign (4). 1 of the submissions does not count toward it. Last evaluated 2025-10-01.

Conditions:
MYLK-related disorder. Also called: MYLK-related condition.
Familial thoracic aortic aneurysm and aortic dissection (TAAD). Also called: Thoracic aortic aneurysms and dissections. Identifiers: Orphanet 91387, MedGen C4707243, MONDO:0019625.
Aortic aneurysm, familial thoracic 7 (AAT7). Also called: AORTIC DISSECTION, FAMILIAL, WITH OR WITHOUT AORTIC ANEURYSM. Identifiers: MedGen C3151077, MONDO:0013418, OMIM 613780.

Allele frequency attached by ClinVar (database versions not stated): gnomAD 0.00006 and 0.00008; ExAC 0.00010; TOPMed 0.00011; gnomAD exomes 0.00017.

Submissions (6):

Labcorp Genetics (formerly Invitae), Labcorp
Classification: Likely benign for Aortic aneurysm, familial thoracic 7. Last evaluated: 2025-10-01. Review status: criteria provided, single submitter. Criteria: Invitae Variant Classification Sherloc (09022015). Collection method: clinical testing. Allele origin: germline.

Ambry Genetics
Classification: Likely benign for Familial thoracic aortic aneurysm and aortic dissection. Last evaluated: 2024-12-16. Review status: criteria provided, single submitter. Criteria: Ambry Variant Classification Scheme 2023. Collection method: clinical testing. Allele origin: germline.

Blueprint Genetics
Classification: Likely benign. Last evaluated: 2024-09-05. Review status: criteria provided, single submitter. Criteria: ACMG Guidelines, 2015. Collection method: clinical testing. Allele origin: germline.

Women's Health and Genetics/Laboratory Corporation of America, LabCorp
Classification: Likely benign. Last evaluated: 2020-08-24. Review status: criteria provided, single submitter. Criteria: LabCorp Variant Classification Summary - May 2015. Collection method: clinical testing. Allele origin: germline.
Comment: Variant summary: MYLK c.1954C>G (p.Pro652Ala) results in a non-conservative amino acid change located in the Immunoglobulin subtype 2 domain (IPR003598) of the encoded protein sequence. Three of five in-silico tools predict a benign effect of the variant on protein function. The variant allele was found at a frequency of 0.00018 in 252056 control chromosomes, predominantly at a frequency of 0.0016 within the East Asian subpopulation in the gnomAD database. The observed variant frequency within East Asian control individuals in the gnomAD database is approximately 32 fold of the estimated maximal expected allele frequency for a pathogenic variant in MYLK causing Thoracic Aortic Aneurysms and Dissections phenotype (5e-05), strongly suggesting that the variant is a benign polymorphism found primarily in populations of East Asian origin. To our knowledge, no occurrence of c.1954C>G in individuals affected with Thoracic Aortic Aneurysms and Dissections and no experimental evidence demonstrating its impact on protein function have been reported. One ClinVar submitter (evaluation after 2014) cite the variant as likely benign. Based on the evidence outlined above, the variant was classified as likely benign.

GeneDx
Classification: Uncertain significance. Last evaluated: 2020-01-28. Review status: criteria provided, single submitter. Criteria: GeneDx Variant Classification Process June 2021. Collection method: clinical testing. Allele origin: germline. Affected: yes.
Comment: Has not been previously published as pathogenic or benign to our knowledge; Reported in ClinVar (ClinVar Variant ID# 700767; Landrum et al., 2016); In silico analysis, which includes protein predictors and evolutionary conservation, supports a deleterious effect

PreventionGenetics, part of Exact Sciences
Classification: Likely benign for MYLK-related condition. Last evaluated: 2022-05-24. Review status: no assertion criteria provided. Collection method: clinical testing. Allele origin: germline. Not counted in ClinVar's aggregate classification.
Comment: This variant is classified as likely benign based on ACMG/AMP sequence variant interpretation guidelines (Richards et al. 2015 PMID: 25741868, with internal and published modifications).

Literature cited by the submitters: PubMed 31296287 (cited by Women's Health and Genetics/Laboratory Corporation of America, LabCorp).

NM_053025.4(MYLK):c.1954C>G (p.Pro652Ala)

Gene: MYLK (myosin light chain kinase; minus strand). Cytogenetic location: 3q21.1.
Variant type: single nucleotide variant.
Coding change: c.1954C>G on transcript NM_053025.4 (MANE Select); coding-DNA position 1954, C replaced by G.
Protein change: p.Pro652Ala; replaces proline 652 with alanine.
Molecular consequence: missense variant.
Genome position (GRCh38, 1-based): chr3:123,708,884, G>C on the plus strand (C>G on the coding strand, the complement: MYLK is on the minus strand). VCF-style: chr3-123708884-G-C. GRCh37 (hg19) VCF-style: chr3-123427731-G-C.
Other names: c.1426C>G, p.Pro476Ala (NM_001321309.2); c.1747C>G, p.Pro583Ala (NM_053026.4, NM_053028.4); c.1954C>G, p.Pro652Ala (NM_053027.4); short protein forms P476A, P583A, P652A.
Identifiers: ClinVar variation 700767 (VCV000700767.18), dbSNP rs750686734, ClinGen allele CA067881.